The following is an entry in ClinVar:

ClinVar aggregate classification (germline): Pathogenic (1 of 4 stars; one submission).

Conditions:
Saethre-Chotzen syndrome (SCS). Also called: CHOTZEN SYNDROME; ACROCEPHALY, SKULL ASYMMETRY, AND MILD SYNDACTYLY; ACS III. Identifiers: Orphanet 794, MedGen C0175699, MONDO:0007042, OMIM 101400.
TWIST1-related craniosynostosis (CRS1). Also called: CRANIOSYNOSTOSIS 1. Identifiers: Orphanet 63440, MedGen C4551902, MONDO:0007399, OMIM 123100. Inheritance: Heterogenous inheritance pattern.

Submission:

Labcorp Genetics (formerly Invitae), Labcorp
Classification: Pathogenic for TWIST1-related craniosynostosis; Saethre-Chotzen syndrome. Last evaluated: 2019-08-08. Review status: criteria provided, single submitter. Criteria: Invitae Variant Classification Sherloc (09022015). Collection method: clinical testing. Allele origin: germline.
Comment: For these reasons, this variant has been classified as Pathogenic. This variant results in an extension of the TWIST1 protein. Other variant(s) that result in a similarly extended protein product (p.Gln147Serfs*91) have been determined to be pathogenic (PMID: 24127277). This suggests that these extensions are likely to be causative of disease. This variant has been observed in individuals affected with Saethre-Chotzen syndrome (PMID: 24127277). This variant is not present in population databases (ExAC no frequency). This sequence change results in a frameshift in the TWIST1 gene (p.Thr137Hisfs*101). While this is not anticipated to result in nonsense mediated decay, it is expected to disrupt the last 66 amino acids of the TWIST1 protein and extend the protein by an additional 35 amino acids.

Literature cited by the submitters: PubMed 24127277.

NM_000474.4(TWIST1):c.408dup (p.Thr137fs)

Gene: TWIST1 (twist family bHLH transcription factor 1; minus strand). Cytogenetic location: 7p21.1.
Variant type: Duplication.
Coding change: c.408dup on transcript NM_000474.4 (MANE Select); coding-DNA position 408, one base duplicated (C; older notation c.408dupC).
Protein change: p.Thr137fs; shifts the reading frame from threonine 137.
Molecular consequence: frameshift variant. On other transcripts: non-coding transcript variant (1).
Genome position (GRCh38, 1-based): chr7:19,116,914, G duplicated on the plus strand (C on the coding strand, the reverse complement: TWIST1 is on the minus strand); the first of 4 consecutive G bases (chr7:19,116,914-19,116,917); duplicating any one gives the same sequence. VCF-style (leftmost placement, unchanged base first): chr7-19116913-T-TG. GRCh37 (hg19) VCF-style: chr7-19156536-T-TG.
Other names: c.408dupC (NM_000474.3); short protein forms T137fs.
Identifiers: ClinVar variation 543076 (VCV000543076.10), dbSNP rs1554441993, ClinGen allele CA658796908.